The following is an entry in ClinVar:

ClinVar aggregate classification (germline): Conflicting classifications of pathogenicity. Review status: criteria provided, conflicting classifications (1 of 4 stars). 5 submissions from 4 submitters: Uncertain significance (3); Likely benign (2). Last evaluated 2026-01-19.

Conditions:
Fibrochondrogenesis 2 (FBCG2). Identifiers: Orphanet 2021, MedGen C3281128, MONDO:0013795, OMIM 614524.
Otospondylomegaepiphyseal dysplasia, autosomal recessive (OSMEDB). Also called: CHONDRODYSTROPHY WITH SENSORINEURAL DEAFNESS; Insley-Astley syndrome. Identifiers: Orphanet 1427, MedGen CN034493, MONDO:0044206, OMIM 215150.

Allele frequency attached by ClinVar (database versions not stated): gnomAD 0.00004 and 0.00006; TOPMed 0.00004; gnomAD exomes 0.00007; ExAC 0.00008; 1000 Genomes Project 0.00020; 1000 Genomes Project 30x 0.00031.
gnomAD v4.1: 90 of 1,611,158 alleles (0.0056%); highest among the groups gnomAD compares: South Asian, 0.04%; no homozygotes.

Submissions (5):

Labcorp Genetics (formerly Invitae), Labcorp
Classification: Likely benign. Last evaluated: 2026-01-19. Review status: criteria provided, single submitter. Criteria: Invitae Variant Classification Sherloc (09022015). Collection method: clinical testing. Allele origin: germline.

Blueprint Genetics
Classification: Likely benign. Last evaluated: 2024-09-10. Review status: criteria provided, single submitter. Criteria: ACMG Guidelines, 2015. Collection method: clinical testing. Allele origin: germline.

GeneDx
Classification: Uncertain significance. Last evaluated: 2024-01-23. Review status: criteria provided, single submitter. Criteria: GeneDx Variant Classification Process June 2021. Collection method: clinical testing. Allele origin: germline. Affected: yes.
Comment: In silico analysis indicates that this missense variant does not alter protein structure/function; Has not been previously published as pathogenic or benign to our knowledge

Illumina Laboratory Services, Illumina
Classification: Uncertain significance for Fibrochondrogenesis 2. Last evaluated: 2018-01-12. Review status: criteria provided, single submitter. Criteria: ICSL Variant Classification Criteria 13 December 2019. Collection method: clinical testing. Allele origin: germline.

Illumina Laboratory Services, Illumina
Classification: Uncertain significance for Otospondylomegaepiphyseal dysplasia, autosomal recessive. Last evaluated: 2018-01-12. Review status: criteria provided, single submitter. Criteria: ICSL Variant Classification Criteria 13 December 2019. Collection method: clinical testing. Allele origin: germline.

NM_080680.3(COL11A2):c.4586C>T (p.Pro1529Leu)

Gene: COL11A2 (collagen type XI alpha 2 chain; minus strand). Cytogenetic location: 6p21.32.
Variant type: single nucleotide variant.
Coding change: c.4586C>T on transcript NM_080680.3 (MANE Select); coding-DNA position 4586, C replaced by T.
Protein change: p.Pro1529Leu; replaces proline 1529 with leucine.
Molecular consequence: missense variant.
Genome position (GRCh38, 1-based): chr6:33,165,713, G>A on the plus strand (C>T on the coding strand, the complement: COL11A2 is on the minus strand). VCF-style: chr6-33165713-G-A. GRCh37 (hg19) VCF-style: chr6-33133490-G-A.
Other names: c.4265C>T, p.Pro1422Leu (NM_080679.3); c.4328C>T, p.Pro1443Leu (NM_080681.3); short protein forms P1529L, P1422L, P1443L.
Identifiers: ClinVar variation 356384 (VCV000356384.18), dbSNP rs201315111, ClinGen allele CA3750047.
Genomic context (GRCh38, chr6:33,165,713, plus strand): 5'-GAGTCGAGTGAGCCAAAGATCTCCTCCAGCCCCCCAGGACTGCCGGGGGCTCCCCCGGTC[G>A]GTATGGCCTCATCTTCCTGCATCAGACGGCTTCCATCCACCGAGCGCCGAGTCTTCTTGG-3'
Protein context (NP_542411.2, residues 1519-1539): SRLMQEDEAI[Pro1529Leu]TGGAPGSPGG